The following is an entry in ClinVar:

NM_006060.6(IKZF1):c.814G>A (p.Ala272Thr)

Gene: IKZF1 (IKAROS family zinc finger 1; plus strand). Cytogenetic location: 7p12.2.
Variant type: single nucleotide variant.
Coding change: c.814G>A on transcript NM_006060.6 (MANE Select); coding-DNA position 814, G replaced by A.
Protein change: p.Ala272Thr; replaces alanine 272 with threonine.
Molecular consequence: missense variant. On other transcripts: intron variant (3).
Genome position (GRCh38, 1-based): chr7:50,391,827, G>A. VCF-style: chr7-50391827-G-A. GRCh37 (hg19) VCF-style: chr7-50459525-G-A.
Other names: c.688G>A, p.Ala230Thr (NM_001220765.3, NM_001291837.2); c.553G>A, p.Ala185Thr (NM_001220767.2, NM_001291838.2); c.427G>A, p.Ala143Thr (NM_001220770.2, NM_001291839.2); c.385G>A, p.Ala129Thr (NM_001291841.1, NM_001291842.1); c.259G>A, p.Ala87Thr (NM_001291843.1, NM_001291844.1); c.590-8091G>A (NM_001220768.2); c.422-8091G>A (NM_001220771.2); c.161-8091G>A (NM_001291840.1); short protein forms A272T, A129T, A143T, A185T, A87T, A230T.
Identifiers: ClinVar variation 548705 (VCV000548705.10), dbSNP rs778820674, ClinGen allele CA4261398.

ClinVar aggregate classification (germline): Conflicting classifications of pathogenicity. Review status: criteria provided, conflicting classifications (1 of 4 stars). 3 submissions from 3 submitters: Likely pathogenic (1); Uncertain significance (2). Last evaluated 2025-06-22.

Conditions:
Pancytopenia due to IKZF1 mutations. Also called: Immunodeficiency, common variable, 13. Identifiers: Orphanet 317473, MedGen C4225173, MONDO:0014810, OMIM 616873.

Allele frequency attached by ClinVar (database versions not stated): TOPMed below 0.00001; ExAC 0.00002; gnomAD exomes 0.00001.
gnomAD v4.1: 14 of 1,613,792 alleles (0.00087%); highest among the groups gnomAD compares: Non-Finnish European, 0.0011%; no homozygotes.

Submissions (3):

Labcorp Genetics (formerly Invitae), Labcorp
Classification: Uncertain significance. Last evaluated: 2025-06-22. Review status: criteria provided, single submitter. Criteria: Invitae Variant Classification Sherloc (09022015). Collection method: clinical testing. Allele origin: germline.
Comment: This sequence change replaces alanine, which is neutral and non-polar, with threonine, which is neutral and polar, at codon 272 of the IKZF1 protein (p.Ala272Thr). This variant is present in population databases (rs778820674, gnomAD 0.002%). This variant has not been reported in the literature in individuals affected with IKZF1-related conditions. ClinVar contains an entry for this variant (Variation ID: 548705). An algorithm developed to predict the effect of missense changes on protein structure and function (PolyPhen-2) suggests that this variant is likely to be tolerated. In summary, the available evidence is currently insufficient to determine the role of this variant in disease. Therefore, it has been classified as a Variant of Uncertain Significance.

Genetic Services Laboratory, University of Chicago
Classification: Uncertain significance. Last evaluated: 2018-08-03. Review status: criteria provided, single submitter. Criteria: ACMG Guidelines, 2015. Collection method: clinical testing. Allele origin: germline. Affected: no.

Immunogenetics Laboratory, Johns Hopkins All Children's Hospital
Classification: Likely pathogenic for Pancytopenia due to IKZF1 mutations. Last evaluated: 2018-06-12. Review status: criteria provided, single submitter. Criteria: ACMG Guidelines, 2015. Collection method: clinical testing. Allele origin: unknown. Inheritance: Autosomal dominant inheritance. Affected: yes. Observed: 1 variant allele, 1 heterozygote.